The following is an entry in ClinVar:

NM_000540.3(RYR1):c.3187G>A (p.Glu1063Lys)

Gene: RYR1 (ryanodine receptor 1; plus strand). Cytogenetic location: 19q13.2.
Variant type: single nucleotide variant.
Coding change: c.3187G>A on transcript NM_000540.3 (MANE Select); coding-DNA position 3187, G replaced by A.
Protein change: p.Glu1063Lys; replaces glutamic acid 1063 with lysine.
Molecular consequence: missense variant.
Genome position (GRCh38, 1-based): chr19:38,467,618, G>A. VCF-style: chr19-38467618-G-A. GRCh37 (hg19) VCF-style: chr19-38958258-G-A.
Other names: c.3187G>A, p.Glu1063Lys (NM_001042723.2); short protein forms E1063K.
Identifiers: ClinVar variation 4756938 (VCV004756938.1).

ClinVar aggregate classification (germline): Uncertain significance (1 of 4 stars; one submission).

Conditions:
Malignant hyperthermia, susceptibility to, 1 (MHS1). Also called: RYR1-Related Malignant Hyperthermia Susceptibility; Malignant hyperthermia suceptibility 1; Anesthesia related hyperthermia; Malignant hyperpyrexia; Fulminating hyperpyrexia; Pharmacogenic myopathy. Identifiers: Orphanet 423, MedGen C2930980, MONDO:0007783, OMIM 145600.

Submission:

Color Diagnostics, LLC DBA Color Health
Classification: Uncertain significance for Malignant hyperthermia, susceptibility to, 1. Last evaluated: 2025-06-09. Review status: criteria provided, single submitter. Criteria: ACMG Guidelines, 2015. Collection method: clinical testing. Allele origin: germline.
Comment: This missense variant replaces glutamic acid with lysine at codon 1063 of the RYR1 protein. Computational prediction suggests that this variant may not impact protein structure and function. To our knowledge, functional studies have not been reported for this variant. This variant has not been reported in individuals affected with RYR1-related disorders in the literature. This variant has not been identified in the general population by the Genome Aggregation Database (gnomAD). The available evidence is insufficient to determine the role of this variant in disease conclusively. Therefore, this variant is classified as a Variant of Uncertain Significance.